The following is an entry in ClinVar:

ClinVar aggregate classification (germline): Uncertain significance (1 of 4 stars; one submission).

Conditions:
Hyperammonemia, type III (NAGSD). Also called: Hyperammonemia due to N-acetylglutamate synthase deficiency. Identifiers: Orphanet 927, MedGen C0268543, MONDO:0009377, OMIM 237310.

Allele frequency attached by ClinVar (database versions not stated): gnomAD exomes 0.00002; gnomAD 0.00003; TOPMed 0.00003.

Submission:

Labcorp Genetics (formerly Invitae), Labcorp
Classification: Uncertain significance for Hyperammonemia, type III. Last evaluated: 2022-10-19. Review status: criteria provided, single submitter. Criteria: Invitae Variant Classification Sherloc (09022015). Collection method: clinical testing. Allele origin: germline.
Comment: This sequence change replaces leucine, which is neutral and non-polar, with valine, which is neutral and non-polar, at codon 442 of the NAGS protein (p.Leu442Val). This variant is present in population databases (no rsID available, gnomAD 0.004%). This missense change has been observed in individuals with N-acetylglutamate synthase deficiency (PMID: 17421020, 23776373). Algorithms developed to predict the effect of missense changes on protein structure and function (SIFT, PolyPhen-2, Align-GVGD) all suggest that this variant is likely to be disruptive. Experimental studies have shown that this missense change does not substantially affect NAGS function (PMID: 27037498). In summary, the available evidence is currently insufficient to determine the role of this variant in disease. Therefore, it has been classified as a Variant of Uncertain Significance.

Literature cited by the submitters: PubMed 17421020; PubMed 23776373; PubMed 27037498.

NM_153006.3(NAGS):c.1324C>G (p.Leu442Val)

Gene: NAGS (N-acetylglutamate synthase; plus strand). Cytogenetic location: 17q21.31.
Variant type: single nucleotide variant.
Coding change: c.1324C>G on transcript NM_153006.3 (MANE Select); coding-DNA position 1324, C replaced by G.
Protein change: p.Leu442Val; replaces leucine 442 with valine.
Molecular consequence: missense variant.
Genome position (GRCh38, 1-based): chr17:44,007,646, C>G. VCF-style: chr17-44007646-C-G. GRCh37 (hg19) VCF-style: chr17-42085014-C-G.
Other names: short protein forms L442V.
Identifiers: ClinVar variation 2138047 (VCV002138047.1), dbSNP rs998174756, ClinGen allele CA290853945.